The following is an entry in ClinVar:

NM_016148.5(SHANK1):c.4757C>T (p.Pro1586Leu)

Gene: SHANK1 (SH3 and multiple ankyrin repeat domains 1; minus strand). Cytogenetic location: 19q13.33.
Variant type: single nucleotide variant.
Coding change: c.4757C>T on transcript NM_016148.5 (MANE Select); coding-DNA position 4757, C replaced by T.
Protein change: p.Pro1586Leu; replaces proline 1586 with leucine.
Molecular consequence: missense variant.
Genome position (GRCh38, 1-based): chr19:50,667,203, G>A on the plus strand (C>T on the coding strand, the complement: SHANK1 is on the minus strand). VCF-style: chr19-50667203-G-A. GRCh37 (hg19) VCF-style: chr19-51170460-G-A.
Other names: c.4757C>T (NM_016148.3); short protein forms P1586L.
Identifiers: ClinVar variation 4164477 (VCV004164477.2).
Genomic context (GRCh38, chr19:50,667,203, plus strand): 5'-GGCACAGGGGGTAACGGGGTGGCAGGGGCAGGTGTGTCGGGCAGCGGGTGGGGAGGCCCA[G>A]GCGTGAGGGGCGACTCTGGCTTTTCGAAGCTGTTGGAGAATTCCAGAGGCGGAGGCAGCG-3'
Protein context (NP_057232.2, residues 1576-1596): SFEKPESPLT[Pro1586Leu]GPPHPLPDTP

ClinVar aggregate classification (germline): Uncertain significance. Review status: criteria provided, multiple submitters, no conflicts (2 of 4 stars). 2 submissions from 2 submitters: Uncertain significance (2). Last evaluated 2025-08-01.

Conditions:
SHANK1-related disorder. Also called: SHANK1-related condition.
Inborn genetic diseases. Identifiers: MedGen C0950123, MeSH D030342.

gnomAD v4.1: 2 of 1,576,462 alleles (0.00013%); highest among the groups gnomAD compares: South Asian, 0.0011%; no homozygotes.

Submissions (2):

Ambry Genetics
Classification: Uncertain significance for Inborn genetic diseases. Last evaluated: 2025-08-01. Review status: criteria provided, single submitter. Criteria: Ambry Variant Classification Scheme 2023. Collection method: clinical testing. Allele origin: germline.

PreventionGenetics, part of Exact Sciences
Classification: Uncertain significance for SHANK1-related condition. Last evaluated: 2025-01-18. Review status: criteria provided, single submitter. Criteria: ACMG Guidelines, 2015. Collection method: clinical testing. Allele origin: germline.
Comment: The SHANK1 c.4757C>T variant is predicted to result in the amino acid substitution p.Pro1586Leu. To our knowledge, this variant has not been reported in the literature or population database gnomAD, indicating that this variant is rare. At this time, the clinical significance of this variant is uncertain due to the absence of conclusive functional and genetic evidence.